The following is an entry in ClinVar:

ClinVar aggregate classification (germline): Pathogenic (1 of 4 stars; one submission).

Conditions:
Immunodeficiency 104. Also called: Severe combined immunodeficiency, autosomal recessive, T cell-negative, B cell-positive, NK cell-positive; Severe Combined Immune Deficiency, Autosomal Recessive, TCell -Negative, B Cell-Positive, NK Cell-Positive, IL7R-Related; IMMUNODEFICIENCY 104, SEVERE COMBINED; SCID, AUTOSOMAL RECESSIVE, T CELL-NEGATIVE, B CELL-POSITIVE, NK CELL-POSITIVE. Identifiers: MedGen C5676890, MONDO:0012163, OMIM 608971.

Submission:

Labcorp Genetics (formerly Invitae), Labcorp
Classification: Pathogenic for Immunodeficiency 104. Last evaluated: 2023-03-03. Review status: criteria provided, single submitter. Criteria: Invitae Variant Classification Sherloc (09022015). Collection method: clinical testing. Allele origin: germline.
Comment: This sequence change creates a premature translational stop signal (p.Thr746Serfs*9) in the PTPRC gene. It is expected to result in an absent or disrupted protein product. Loss-of-function variants in PTPRC are known to be pathogenic (PMID: 10700239). This variant is not present in population databases (gnomAD no frequency). This variant has not been reported in the literature in individuals affected with PTPRC-related conditions. For these reasons, this variant has been classified as Pathogenic.

Literature cited by the submitters: PubMed 10700239.

NM_002838.5(PTPRC):c.2237_2238del (p.Thr746fs)

Gene: PTPRC (protein tyrosine phosphatase receptor type C; plus strand). Cytogenetic location: 1q32.1.
Variant type: Microsatellite.
Coding change: c.2237_2238del on transcript NM_002838.5 (MANE Select); coding-DNA positions 2237 to 2238, 2 bases deleted (CA; older notation c.2237_2238delCA).
Protein change: p.Thr746fs; shifts the reading frame from threonine 746.
Molecular consequence: frameshift variant.
Genome position (GRCh38, 1-based): chr1:198,734,385-198,734,386, CA deleted; deleting any 2 consecutive bases within chr1:198,734,383-198,734,386 gives the same sequence; the c. name uses the placement nearest the transcript's 3' end. VCF-style (leftmost placement, unchanged base first): chr1-198734382-CCA-C. GRCh37 (hg19) VCF-style: chr1-198703511-CCA-C.
Other names: c.1754_1755del, p.Thr585fs (NM_080921.4); short protein forms T585fs, T746fs.
Identifiers: ClinVar variation 2842452 (VCV002842452.3), dbSNP rs2527949922, ClinGen allele CA2739275538.